The following is an entry in ClinVar:

ClinVar aggregate classification (germline): Uncertain significance (1 of 4 stars; one submission).

Submission:

Dasa
Classification: Uncertain significance. Last evaluated: 2026-01-27. Review status: criteria provided, single submitter. Criteria: DASA Assertion Criteria. Collection method: clinical testing. Allele origin: germline.
Comment: NM_006662.3(SRCAP):c.8042A>G (p.Lys2681Arg) is a missense variant that results in the substitution of lysine with arginine. This variant is rare in population databases. The currently available literature and clinical evidence are not sufficient to establish a definitive association between this variant and the reported condition. Therefore, this variant is classified as a variant of uncertain significance.

NM_006662.3(SRCAP):c.8042A>G (p.Lys2681Arg)

Gene: SRCAP (Snf2 related CREBBP activator protein; plus strand). Cytogenetic location: 16p11.2.
Variant type: single nucleotide variant.
Coding change: c.8042A>G on transcript NM_006662.3 (MANE Select); coding-DNA position 8042, A replaced by G.
Protein change: p.Lys2681Arg; replaces lysine 2681 with arginine.
Molecular consequence: missense variant.
Genome position (GRCh38, 1-based): chr16:30,738,082, A>G. VCF-style: chr16-30738082-A-G. GRCh37 (hg19) VCF-style: chr16-30749403-A-G.
Other names: short protein forms K2681R.
Identifiers: ClinVar variation 4883211 (VCV004883211.2).